The following is an entry in ClinVar:

NM_207352.4(CYP4V2):c.1375C>T (p.Pro459Ser)

Gene: CYP4V2 (cytochrome P450 family 4 subfamily V member 2; plus strand). Cytogenetic location: 4q35.2.
Variant type: single nucleotide variant.
Coding change: c.1375C>T on transcript NM_207352.4 (MANE Select); coding-DNA position 1375, C replaced by T.
Protein change: p.Pro459Ser; replaces proline 459 with serine.
Molecular consequence: missense variant.
Genome position (GRCh38, 1-based): chr4:186,209,242, C>T. VCF-style: chr4-186209242-C-T. GRCh37 (hg19) VCF-style: chr4-187130396-C-T.
Other names: short protein forms P459S.
Identifiers: ClinVar variation 521053 (VCV000521053.11), dbSNP rs1554075115, ClinGen allele CA358950659.

ClinVar aggregate classification (germline): Uncertain significance. Review status: criteria provided, multiple submitters, no conflicts (2 of 4 stars). 2 submissions from 2 submitters: Uncertain significance (2). Last evaluated 2022-06-14.

Conditions:
Inborn genetic diseases. Identifiers: MedGen C0950123, MeSH D030342.

Submissions (2):

Labcorp Genetics (formerly Invitae), Labcorp
Classification: Uncertain significance. Last evaluated: 2022-06-14. Review status: criteria provided, single submitter. Criteria: Invitae Variant Classification Sherloc (09022015). Collection method: clinical testing. Allele origin: germline.
Comment: In summary, the available evidence is currently insufficient to determine the role of this variant in disease. Therefore, it has been classified as a Variant of Uncertain Significance. Advanced modeling of protein sequence and biophysical properties (such as structural, functional, and spatial information, amino acid conservation, physicochemical variation, residue mobility, and thermodynamic stability) performed at Invitae indicates that this missense variant is expected to disrupt CYP4V2 protein function. ClinVar contains an entry for this variant (Variation ID: 521053). This missense change has been observed in individuals with clinical features of retinitis pigmentosa (Invitae). This variant is not present in population databases (gnomAD no frequency). This sequence change replaces proline, which is neutral and non-polar, with serine, which is neutral and polar, at codon 459 of the CYP4V2 protein (p.Pro459Ser).

Ambry Genetics
Classification: Uncertain significance for Inborn genetic diseases. Last evaluated: 2016-05-05. Review status: criteria provided, single submitter. Criteria: Ambry exome assertion method (8-5-2015). Collection method: clinical testing. Allele origin: germline. Affected: yes. Observed: 1 variant allele.